The following is an entry in ClinVar:

ClinVar aggregate classification (germline): Likely benign. Review status: criteria provided, multiple submitters, no conflicts (2 of 4 stars). 3 submissions from 3 submitters: Likely benign (3). Last evaluated 2024-10-04.

Conditions:
Intellectual disability, X-linked, with or without seizures, ARX-related. Also called: MENTAL RETARDATION, X-LINKED 29; MENTAL RETARDATION, X-LINKED 32; MENTAL RETARDATION, X-LINKED 33; MENTAL RETARDATION, X-LINKED 38; MENTAL RETARDATION, X-LINKED 43; MENTAL RETARDATION, X-LINKED 76. Identifiers: Orphanet 777, MedGen C0796244, MONDO:0010317, OMIM 300419.
Developmental and epileptic encephalopathy, 1 (DEE1). Also called: INFANTILE SPASM SYNDROME, X-LINKED 1; Epileptic encephalopathy, early infantile, 1; X-linked infantile spasms; West's syndrome; Tonic spasms with clustering, arrest of psychomotor development and hypsarrhythmia on EEG; X-Linked Infantile Spasm Syndrome. Identifiers: MedGen C3463992, MONDO:0010632, OMIM 308350. Disease mechanism: loss of function.

Allele frequency attached by ClinVar (database versions not stated): TOPMed 0.00001; gnomAD 0.00002; gnomAD exomes 0.00002 and 0.00021.
gnomAD v4.1: 19 of 1,007,643 alleles (0.0019%); highest among the groups gnomAD compares: Non-Finnish European, 0.0022%; no homozygotes.

Submissions (3):

Labcorp Genetics (formerly Invitae), Labcorp
Classification: Likely benign for Developmental and epileptic encephalopathy, 1; Intellectual disability, X-linked, with or without seizures, ARX-related. Last evaluated: 2024-10-04. Review status: criteria provided, single submitter. Criteria: Invitae Variant Classification Sherloc (09022015). Collection method: clinical testing. Allele origin: germline.

CeGaT Center for Human Genetics Tuebingen
Classification: Likely benign. Last evaluated: 2022-10-01. Review status: criteria provided, single submitter. Criteria: CeGaT Center For Human Genetics Tuebingen Variant Classification Criteria Version 2. Collection method: clinical testing. Allele origin: germline. Affected: yes. Observed: 2 variant alleles.
Comment: ARX: BP4, BP7

GeneDx
Classification: Likely benign. Last evaluated: 2019-01-31. Review status: criteria provided, single submitter. Criteria: GeneDx Variant Classification Process June 2021. Collection method: clinical testing. Allele origin: germline. Affected: yes.

NM_139058.3(ARX):c.591C>T (p.Gly197=)

Gene: ARX (aristaless related homeobox; minus strand). Cytogenetic location: Xp21.3.
Variant type: single nucleotide variant.
Coding change: c.591C>T on transcript NM_139058.3 (MANE Select); coding-DNA position 591, C replaced by T.
Protein change: p.Gly197=; no amino-acid change (glycine 197 retained).
Molecular consequence: synonymous variant.
Genome position (GRCh38, 1-based): chrX:25,013,404, G>A on the plus strand (C>T on the coding strand, the complement: ARX is on the minus strand). VCF-style: chrX-25013404-G-A. GRCh37 (hg19) VCF-style: chrX-25031521-G-A.
Identifiers: ClinVar variation 1208287 (VCV001208287.35), dbSNP rs1200326478, ClinGen allele CA515948147.
Genomic context (GRCh38, chrX:25,013,404, plus strand): 5'-CGCAGCCGGGGCGCTGCCCGGGCCGCCGGCCACGCCGAGGCGCTCCTCCGGGTGCGTGAC[G>A]CCCCCCGGGCCGCCCAGCTCGTCCAGCGCGGGCGGCGGCGGCACGAAGGGCGCCCCGTTC-3'
Protein context (NP_620689.1, residues 187-207): PALDELGGPG[Gly197=]VTHPEERLGV